The following is an entry in ClinVar:

ClinVar aggregate classification (germline): Uncertain significance (1 of 4 stars; one submission).

Conditions:
Hereditary cancer-predisposing syndrome. Also called: Neoplastic Syndromes, Hereditary; Tumor predisposition; Hereditary Cancer Syndrome; Hereditary neoplastic syndrome. Identifiers: Orphanet 140162, MedGen C0027672, MeSH D009386, MONDO:0015356.

Allele frequency attached by ClinVar (database versions not stated): gnomAD exomes below 0.00001.

Submission:

Ambry Genetics
Classification: Uncertain significance for Hereditary cancer-predisposing syndrome. Last evaluated: 2016-09-23. Review status: criteria provided, single submitter. Criteria: Ambry Variant Classification Scheme 2023. Collection method: clinical testing. Allele origin: germline.
Comment: The p.V322A variant (also known as c.965T>C), located in coding exon 9 of the PMS2 gene, results from a T to C substitution at nucleotide position 965. The valine at codon 322 is replaced by alanine, an amino acid with similar properties. This variant was not reported in population based cohorts in the following databases: Database of Single Nucleotide Polymorphisms (dbSNP), NHLBI Exome Sequencing Project (ESP), and 1000 Genomes Project. In the ESP, this variant was not observed in 6503 samples (13006 alleles) with coverage at this position. To date, this alteration has been detected with an allele frequency of approximately 0.001% (greater than 150000 alleles tested) in our clinical cohort. This amino acid position is not well conserved in available vertebrate species. In addition, the in silico prediction for this alteration is inconclusive. Since supporting evidence is limited at this time, the clinical significance of this alteration remains unclear.

NM_000535.7(PMS2):c.965T>C (p.Val322Ala)

Gene: PMS2 (PMS1 homolog 2, mismatch repair system component; minus strand). Cytogenetic location: 7p22.1.
Variant type: single nucleotide variant.
Coding change: c.965T>C on transcript NM_000535.7 (MANE Select); coding-DNA position 965, T replaced by C.
Protein change: p.Val322Ala; replaces valine 322 with alanine.
Molecular consequence: missense variant. On other transcripts: non-coding transcript variant (1).
Genome position (GRCh38, 1-based): chr7:5,991,996, A>G on the plus strand (T>C on the coding strand, the complement: PMS2 is on the minus strand). VCF-style: chr7-5991996-A-G. GRCh37 (hg19) VCF-style: chr7-6031627-A-G.
Other names: c.560T>C, p.Val187Ala (NM_001322003.2, NM_001322004.2, NM_001322005.2 and 2 more transcripts); c.965T>C, p.Val322Ala (NM_001322006.2, NM_001322014.2); c.647T>C, p.Val216Ala (NM_001322007.2, NM_001322008.2); c.32T>C, p.Val11Ala (NM_001322011.2, NM_001322012.2); c.392T>C, p.Val131Ala (NM_001322013.2); c.656T>C, p.Val219Ala (NM_001322015.2); short protein forms V322A, V11A, V131A, V216A, V219A, V187A.
Identifiers: ClinVar variation 484293 (VCV000484293.5), dbSNP rs1554299392, ClinGen allele CA366743103.
Genomic context (GRCh38, chr7:5,991,996, plus strand): 5'-TAGTCACTAGTTGTACTGAAATGCCAATGGAACTTACCTGAATCAACAGAAATGTTAAGA[A>G]CAACAAATGGATACTGGTGTCGATTATACATGTGGTAGACCTCATTCACGAGTCTGCAGA-3'
Protein context (NP_000526.2, residues 312-332): MYNRHQYPFV[Val322Ala]LNISVDSECV